The following is an entry in ClinVar:

NM_000535.7(PMS2):c.323G>A (p.Gly108Glu)

Gene: PMS2 (PMS1 homolog 2, mismatch repair system component; minus strand). Cytogenetic location: 7p22.1.
Variant type: single nucleotide variant.
Coding change: c.323G>A on transcript NM_000535.7 (MANE Select); coding-DNA position 323, G replaced by A.
Protein change: p.Gly108Glu; replaces glycine 108 with glutamic acid.
Molecular consequence: missense variant. On other transcripts: 5 prime UTR variant (9), non-coding transcript variant (1), intron variant (2).
Genome position (GRCh38, 1-based): chr7:6,003,720, C>T on the plus strand (G>A on the coding strand, the complement: PMS2 is on the minus strand). VCF-style: chr7-6003720-C-T. GRCh37 (hg19) VCF-style: chr7-6043351-C-T.
Other names: c.-83G>A (NM_001018040.1, NM_001322003.2, NM_001322004.2 and 14 more transcripts); c.323G>A, p.Gly108Glu (NM_001322006.2, NM_001322014.2, NM_001406869.1 and 8 more transcripts); c.-562G>A (NM_001322011.2, NM_001322012.2); c.-162G>A (NM_001322015.2, NM_001406875.1, NM_001406877.1 and 3 more transcripts); c.509G>A, p.Gly170Glu (NM_001406866.1); c.347G>A, p.Gly116Glu (NM_001406868.1); c.-73G>A (NM_001406890.1); c.35+252G>A (NM_001322008.2, NM_001322007.2); short protein forms G108E, G116E, G170E.
Identifiers: ClinVar variation 1729281 (VCV001729281.2), dbSNP rs1785369293, ClinGen allele CA366744583.
Genomic context (GRCh38, chr7:6,003,720, plus strand): 5'-TCAAGTGAGTGGATAAAAATATTGTATCACCTCAGTGCACAAAGTGAGCTCAGAGCTTCC[C>T]CCCGAAAGCCAAAAGTTTCAACCTGAGTTAGGTCGGCAAACTCTTGAATCTTAGATGTGT-3'
Protein context (NP_000526.2, residues 98-118): LTQVETFGFR[Gly108Glu]EALSSLCALS

ClinVar aggregate classification (germline): Uncertain significance (1 of 4 stars; one submission).

Conditions:
Hereditary cancer-predisposing syndrome. Also called: Tumor predisposition; Neoplastic Syndromes, Hereditary; Hereditary Cancer Syndrome; Hereditary neoplastic syndrome. Identifiers: Orphanet 140162, MedGen C0027672, MeSH D009386, MONDO:0015356.

Allele frequency attached by ClinVar (database versions not stated): gnomAD exomes below 0.00001.
gnomAD v4.1: 1 of 1,597,306 alleles (0.000063%); highest among the groups gnomAD compares: South Asian, 0.0011%; no homozygotes.

Submission:

Ambry Genetics
Classification: Uncertain significance for Hereditary cancer-predisposing syndrome. Last evaluated: 2018-09-27. Review status: criteria provided, single submitter. Criteria: Ambry Variant Classification Scheme 2023. Collection method: clinical testing. Allele origin: germline.
Comment: The p.G108E variant (also known as c.323G>A), located in coding exon 4 of the PMS2 gene, results from a G to A substitution at nucleotide position 323. The glycine at codon 108 is replaced by glutamic acid, an amino acid with similar properties. This amino acid position is highly conserved in available vertebrate species. In addition, this alteration is predicted to be deleterious by in silico analysis. Since supporting evidence is limited at this time, the clinical significance of this alteration remains unclear.